The following is an entry in ClinVar:

ClinVar aggregate classification (germline): Uncertain significance (1 of 4 stars; one submission).

Allele frequency attached by ClinVar (database versions not stated): gnomAD 0.00001; gnomAD exomes 0.00001.
gnomAD v4.1: 17 of 1,613,404 alleles (0.0011%); highest among the groups gnomAD compares: Non-Finnish European, 0.0014%; no homozygotes.

Submission:

Labcorp Genetics (formerly Invitae), Labcorp
Classification: Uncertain significance. Last evaluated: 2020-05-23. Review status: criteria provided, single submitter. Criteria: Invitae Variant Classification Sherloc (09022015). Collection method: clinical testing. Allele origin: germline.
Comment: This sequence change replaces aspartic acid with glutamic acid at codon 91 of the KCNV2 protein (p.Asp91Glu). The aspartic acid residue is moderately conserved and there is a small physicochemical difference between aspartic acid and glutamic acid. This variant is not present in population databases (ExAC no frequency). This variant has not been reported in the literature in individuals with KCNV2-related conditions. Algorithms developed to predict the effect of missense changes on protein structure and function (SIFT, PolyPhen-2, Align-GVGD) all suggest that this variant is likely to be tolerated, but these predictions have not been confirmed by published functional studies and their clinical significance is uncertain. In summary, the available evidence is currently insufficient to determine the role of this variant in disease. Therefore, it has been classified as a Variant of Uncertain Significance.

NM_133497.4(KCNV2):c.273C>A (p.Asp91Glu)

Gene: KCNV2 (potassium voltage-gated channel modifier subfamily V member 2; plus strand). Cytogenetic location: 9p24.2.
Variant type: single nucleotide variant.
Coding change: c.273C>A on transcript NM_133497.4 (MANE Select); coding-DNA position 273, C replaced by A.
Protein change: p.Asp91Glu; replaces aspartic acid 91 with glutamic acid.
Molecular consequence: missense variant.
Genome position (GRCh38, 1-based): chr9:2,718,012, C>A. VCF-style: chr9-2718012-C-A. GRCh37 (hg19) VCF-style: chr9-2718012-C-A.
Other names: short protein forms D91E.
Identifiers: ClinVar variation 1064077 (VCV001064077.9), dbSNP rs1369300851, ClinGen allele CA372796259.